The following is an entry in ClinVar:

ClinVar aggregate classification (germline): Benign/Likely benign. Review status: criteria provided, multiple submitters, no conflicts (2 of 4 stars). 3 submissions from 3 submitters: Benign (1); Likely benign (1). 1 of the submissions does not count toward it. Last evaluated 2021-07-23.

Conditions:
Alzheimer disease 9. Also called: ALZHEIMER DISEASE 9, SUSCEPTIBILITY TO; ALZHEIMER DISEASE 9, LATE-ONSET. Identifiers: MedGen C4282179, MONDO:0012153, OMIM 608907.
ABCA7-related disorder. Also called: ABCA7-related condition.

Allele frequency attached by ClinVar (database versions not stated): gnomAD exomes 0.00032 and 0.00142; 1000 Genomes Project 0.00060; 1000 Genomes Project 30x 0.00062; gnomAD 0.00063 and 0.00066; ExAC 0.00119; TOPMed 0.00124.
gnomAD v4.1: 568 of 1,614,006 alleles (0.035%); highest among the groups gnomAD compares: Admixed American, 0.85%; 2 homozygotes.

Submissions (3):

Fulgent Genetics
Classification: Likely benign for Alzheimer disease 9. Last evaluated: 2021-07-23. Review status: criteria provided, single submitter. Criteria: ACMG Guidelines, 2015. Collection method: clinical testing. Allele origin: unknown.

Labcorp Genetics (formerly Invitae), Labcorp
Classification: Benign. Last evaluated: 2019-12-31. Review status: criteria provided, single submitter. Criteria: Invitae Variant Classification Sherloc (09022015). Collection method: clinical testing. Allele origin: germline.

PreventionGenetics, part of Exact Sciences
Classification: Likely benign for ABCA7-related condition. Last evaluated: 2021-02-01. Review status: no assertion criteria provided. Collection method: clinical testing. Allele origin: germline. Not counted in ClinVar's aggregate classification.
Comment: This variant is classified as likely benign based on ACMG/AMP sequence variant interpretation guidelines (Richards et al. 2015 PMID: 25741868, with internal and published modifications).

NM_019112.4(ABCA7):c.4886C>T (p.Ser1629Leu)

Gene: ABCA7 (ATP binding cassette subfamily A member 7; plus strand). Cytogenetic location: 19p13.3.
Variant type: single nucleotide variant.
Coding change: c.4886C>T on transcript NM_019112.4 (MANE Select); coding-DNA position 4886, C replaced by T.
Protein change: p.Ser1629Leu; replaces serine 1629 with leucine.
Molecular consequence: missense variant.
Genome position (GRCh38, 1-based): chr19:1,057,920, C>T. VCF-style: chr19-1057920-C-T. GRCh37 (hg19) VCF-style: chr19-1057919-C-T.
Other names: short protein forms S1629L.
Identifiers: ClinVar variation 715316 (VCV000715316.7), dbSNP rs184590335, ClinGen allele CA9034646.